The following is an entry in ClinVar:

ClinVar aggregate classification (germline): Uncertain significance (1 of 4 stars; one submission).

Conditions:
COG8-congenital disorder of glycosylation. Also called: CDG IIh; COG8-CDG. Identifiers: Orphanet 95428, MedGen C1970021, MONDO:0012635, OMIM 611182.

Allele frequency attached by ClinVar (database versions not stated): gnomAD exomes below 0.00001.
gnomAD v4.1: 3 of 1,545,102 alleles (0.00019%); highest among the groups gnomAD compares: Non-Finnish European, 0.00017%; no homozygotes.

Submission:

Baylor Genetics
Classification: Uncertain significance for COG8-congenital disorder of glycosylation. Last evaluated: 2018-02-19. Review status: criteria provided, single submitter. Criteria: ACMG Guidelines, 2015. Collection method: clinical testing. Allele origin: maternal. Affected: yes.
Comment: This variant was determined to be of uncertain significance according to ACMG Guidelines, 2015 [PMID:25741868].

NM_032382.5(COG8):c.1807A>G (p.Thr603Ala)

Genes: COG8 (component of oligomeric golgi complex 8; minus strand), LOC130059304 (ATAC-STARR-seq lymphoblastoid silent region 7657; plus strand). Cytogenetic location: 16q22.1.
Variant type: single nucleotide variant.
Coding change: c.1807A>G on transcript NM_032382.5 (MANE Select); coding-DNA position 1807, A replaced by G.
Protein change: p.Thr603Ala; replaces threonine 603 with alanine.
Molecular consequence: missense variant. On other transcripts: intron variant (3).
Genome position (GRCh38, 1-based): chr16:69,330,871, T>C on the plus strand (A>G on the coding strand, the complement: COG8 is on the minus strand). VCF-style: chr16-69330871-T-C. GRCh37 (hg19) VCF-style: chr16-69364774-T-C.
Other names: c.1948A>G, p.Thr650Ala (NM_001379261.1); c.1846A>G, p.Thr616Ala (NM_001379263.1); c.1807A>G, p.Thr603Ala (NM_001379264.1); c.1414-1692A>G (NM_001379266.1); c.1583-1692A>G (NM_001379265.1); c.1759+48A>G (NM_001379262.1); short protein forms T603A, T616A, T650A.
Identifiers: ClinVar variation 1032955 (VCV001032955.1), dbSNP rs2011769207, ClinGen allele CA396479897.
Genomic context (GRCh38, chr16:69,330,871, plus strand): 5'-ACCGCGTTCTGGAGGCAGGGGACGCCGGCTAGGGCCCCACGCTGGGCGGTTCGGCCTGCG[T>C]CTCCGCTCGCCCTCCCTCCGGGCAGGCTGGGCCCGCGGGCTCCAGGCGTGGCTCCTCGGC-3'
Protein context (NP_115758.3, residues 593-612): PACPEGGRAE[Thr603Ala]QAEPPSVGP